The following is an entry in ClinVar:

NM_021830.5(TWNK):c.649C>T (p.Arg217Ter)

Gene: TWNK (twinkle mtDNA helicase; plus strand). Cytogenetic location: 10q24.31.
Variant type: single nucleotide variant.
Coding change: c.649C>T on transcript NM_021830.5 (MANE Select); coding-DNA position 649, C replaced by T.
Protein change: p.Arg217Ter; replaces arginine 217 with a stop codon.
Molecular consequence: nonsense. On other transcripts: non-coding transcript variant (4), intron variant (3).
Genome position (GRCh38, 1-based): chr10:100,988,859, C>T. VCF-style: chr10-100988859-C-T. GRCh37 (hg19) VCF-style: chr10-102748616-C-T.
Other names: c.649C>T, p.Arg217Ter (NM_001163812.2); c.-119-785C>T (NM_001163814.2, NM_001163813.2); c.-57-847C>T (NM_001368275.1); short protein forms R217*.
Identifiers: ClinVar variation 975884 (VCV000975884.3), dbSNP rs1382829987, ClinGen allele CA378207945.

ClinVar aggregate classification (germline): Pathogenic/Likely pathogenic. Review status: criteria provided, multiple submitters, no conflicts (2 of 4 stars). 2 submissions from 2 submitters: Pathogenic (1); Likely pathogenic (1). Last evaluated 2024-02-02.

Conditions:
Progressive external ophthalmoplegia with mitochondrial DNA deletions, autosomal dominant 3. Also called: PROGRESSIVE EXTERNAL OPHTHALMOPLEGIA, AUTOSOMAL DOMINANT 3. Identifiers: MedGen C1836439, MONDO:0012241, OMIM 609286.

Allele frequency attached by ClinVar (database versions not stated): gnomAD exomes below 0.00001.

Submissions (2):

Labcorp Genetics (formerly Invitae), Labcorp
Classification: Pathogenic. Last evaluated: 2024-02-02. Review status: criteria provided, single submitter. Criteria: Invitae Variant Classification Sherloc (09022015). Collection method: clinical testing. Allele origin: germline.
Comment: This sequence change creates a premature translational stop signal (p.Arg217*) in the TWNK gene. It is expected to result in an absent or disrupted protein product. Loss-of-function variants in TWNK are known to be pathogenic (PMID: 21681116, 27551684, 31455392). This variant is present in population databases (no rsID available, gnomAD 0.003%). This premature translational stop signal has been observed in individual(s) with clinical features of TWNK-related conditions (PMID: 29095814). ClinVar contains an entry for this variant (Variation ID: 975884). For these reasons, this variant has been classified as Pathogenic.

Institute of Human Genetics, University of Leipzig Medical Center
Classification: Likely pathogenic for Progressive external ophthalmoplegia with mitochondrial DNA deletions, autosomal dominant 3. Last evaluated: 2018-09-24. Review status: criteria provided, single submitter. Criteria: ACMG Guidelines, 2015. Collection method: clinical testing. Allele origin: germline. Affected: yes. Observed: 1 variant allele.

Literature cited by the submitters: PubMed 21681116 (cited by Labcorp Genetics (formerly Invitae), Labcorp); PubMed 27551684 (cited by Labcorp Genetics (formerly Invitae), Labcorp); PubMed 31455392 (cited by Labcorp Genetics (formerly Invitae), Labcorp); PubMed 29095814 (cited by Labcorp Genetics (formerly Invitae), Labcorp).